The following is an entry in ClinVar:

NM_005076.5(CNTN2):c.158C>T (p.Thr53Met)

Gene: CNTN2 (contactin 2; plus strand). Cytogenetic location: 1q32.1.
Variant type: single nucleotide variant.
Coding change: c.158C>T on transcript NM_005076.5 (MANE Select); coding-DNA position 158, C replaced by T.
Protein change: p.Thr53Met; replaces threonine 53 with methionine.
Molecular consequence: missense variant. On other transcripts: non-coding transcript variant (1).
Genome position (GRCh38, 1-based): chr1:205,058,008, C>T. VCF-style: chr1-205058008-C-T. GRCh37 (hg19) VCF-style: chr1-205027136-C-T.
Other names: c.158C>T, p.Thr53Met (NM_001346083.2); short protein forms T53M.
Identifiers: ClinVar variation 646247 (VCV000646247.5), dbSNP rs369804751, ClinGen allele CA1350934.

ClinVar aggregate classification (germline): Uncertain significance. Review status: criteria provided, multiple submitters, no conflicts (2 of 4 stars). 2 submissions from 2 submitters: Uncertain significance (2). Last evaluated 2025-12-15.

Conditions:
Epilepsy, familial adult myoclonic, 5 (EPEO5). Also called: CORTICAL MYOCLONIC TREMOR WITH EPILEPSY, FAMILIAL, 5. Identifiers: Orphanet 86814, MedGen C3809374, MONDO:0014167, OMIM 615400.

Allele frequency attached by ClinVar (database versions not stated): gnomAD 0.00001 and 0.00002; TOPMed 0.00002; gnomAD exomes 0.00003; ExAC 0.00004; ESP Exome Variant Server 0.00015.
gnomAD v4.1: 46 of 1,614,024 alleles (0.0029%); highest among the groups gnomAD compares: Middle Eastern, 0.033%; 1 homozygote.

Submissions (2):

Ambry Genetics
Classification: Uncertain significance. Last evaluated: 2025-12-15. Review status: criteria provided, single submitter. Criteria: Ambry Variant Classification Scheme 2023. Collection method: clinical testing. Allele origin: germline.

Labcorp Genetics (formerly Invitae), Labcorp
Classification: Uncertain significance for Epilepsy, familial adult myoclonic, 5. Last evaluated: 2022-07-25. Review status: criteria provided, single submitter. Criteria: Invitae Variant Classification Sherloc (09022015). Collection method: clinical testing. Allele origin: germline.
Comment: This sequence change replaces threonine, which is neutral and polar, with methionine, which is neutral and non-polar, at codon 53 of the CNTN2 protein (p.Thr53Met). This variant is present in population databases (rs369804751, gnomAD 0.007%). This variant has not been reported in the literature in individuals affected with CNTN2-related conditions. ClinVar contains an entry for this variant (Variation ID: 646247). Advanced modeling of protein sequence and biophysical properties (such as structural, functional, and spatial information, amino acid conservation, physicochemical variation, residue mobility, and thermodynamic stability) performed at Invitae indicates that this missense variant is not expected to disrupt CNTN2 protein function. In summary, the available evidence is currently insufficient to determine the role of this variant in disease. Therefore, it has been classified as a Variant of Uncertain Significance.